The following is an entry in ClinVar:

ClinVar aggregate classification (germline): Uncertain significance (1 of 4 stars; one submission).

Allele frequency attached by ClinVar (database versions not stated): ESP Exome Variant Server 0.00008; gnomAD 0.00042; ExAC 0.00046; TOPMed 0.00065; 1000 Genomes Project 0.00100; 1000 Genomes Project 30x 0.00109.
gnomAD v4.1: 357 of 1,598,870 alleles (0.022%); highest among the groups gnomAD compares: Admixed American, 0.3%; 1 homozygote.

Submission:

GeneDx
Classification: Uncertain significance. Last evaluated: 2022-05-31. Review status: criteria provided, single submitter. Criteria: GeneDx Variant Classification Process June 2021. Collection method: clinical testing. Allele origin: germline. Affected: yes.
Comment: In silico analysis supports that this missense variant does not alter protein structure/function; Has not been previously published as pathogenic or benign to our knowledge

NM_006659.4(TUBGCP2):c.1817C>T (p.Thr606Met)

Gene: TUBGCP2 (tubulin gamma complex component 2; minus strand). Cytogenetic location: 10q26.3.
Variant type: single nucleotide variant.
Coding change: c.1817C>T on transcript NM_006659.4 (MANE Select); coding-DNA position 1817, C replaced by T.
Protein change: p.Thr606Met; replaces threonine 606 with methionine.
Molecular consequence: missense variant. On other transcripts: non-coding transcript variant (1).
Genome position (GRCh38, 1-based): chr10:133,285,534, G>A on the plus strand (C>T on the coding strand, the complement: TUBGCP2 is on the minus strand). VCF-style: chr10-133285534-G-A. GRCh37 (hg19) VCF-style: chr10-135099038-G-A.
Other names: c.1901C>T, p.Thr634Met (NM_001256617.2); c.1427C>T, p.Thr476Met (NM_001256618.2); short protein forms T476M, T606M, T634M.
Identifiers: ClinVar variation 1801939 (VCV001801939.1), dbSNP rs148546996, ClinGen allele CA5763859.